The following is an entry in ClinVar:

ClinVar aggregate classification (germline): Pathogenic/Likely pathogenic. Review status: criteria provided, multiple submitters, no conflicts (2 of 4 stars). 2 submissions from 2 submitters: Pathogenic (1); Likely pathogenic (1). Last evaluated 2022-05-06.

Conditions:
Polycystic liver disease 2 (PCLD2). Also called: Polycystic liver disease 2 with or without kidney cysts. Identifiers: Orphanet 2924, MedGen C4310769, MONDO:0014860, OMIM 617004.

Submissions (2):

Labcorp Genetics (formerly Invitae), Labcorp
Classification: Pathogenic. Last evaluated: 2022-05-06. Review status: criteria provided, single submitter. Criteria: Invitae Variant Classification Sherloc (09022015). Collection method: clinical testing. Allele origin: germline.
Comment: For these reasons, this variant has been classified as Pathogenic. This variant has not been reported in the literature in individuals affected with SEC63-related conditions. This variant is not present in population databases (gnomAD no frequency). This sequence change creates a premature translational stop signal (p.Val398Thrfs*4) in the SEC63 gene. It is expected to result in an absent or disrupted protein product. Loss-of-function variants in SEC63 are known to be pathogenic (PMID: 20095989, 28375157).

Fulgent Genetics
Classification: Likely pathogenic for Polycystic liver disease 2. Last evaluated: 2021-09-23. Review status: criteria provided, single submitter. Criteria: ACMG Guidelines, 2015. Collection method: clinical testing. Allele origin: unknown.

Literature cited by the submitters: PubMed 20095989 (cited by Labcorp Genetics (formerly Invitae), Labcorp); PubMed 28375157 (cited by Labcorp Genetics (formerly Invitae), Labcorp).

NM_007214.5(SEC63):c.1188_1191dup (p.Val398fs)

Gene: SEC63 (SEC63 protein translocation regulator; minus strand). Cytogenetic location: 6q21.
Variant type: Duplication.
Coding change: c.1188_1191dup on transcript NM_007214.5 (MANE Select); coding-DNA positions 1188 to 1191, 4 bases duplicated (ACGG; older notation c.1188_1191dupACGG).
Protein change: p.Val398fs; shifts the reading frame from valine 398.
Molecular consequence: frameshift variant.
Genome position (GRCh38, 1-based): chr6:107,902,862-107,902,865, CCGT duplicated on the plus strand (ACGG on the coding strand, the reverse complement: SEC63 is on the minus strand); duplicating any 4 consecutive bases within chr6:107,902,862-107,902,866 gives the same sequence; the c. name uses the placement nearest the transcript's 3' end. VCF-style (leftmost placement, unchanged base first): chr6-107902861-C-CCCGT. GRCh37 (hg19) VCF-style: chr6-108224065-C-CCCGT.
Other names: short protein forms V398fs.
Identifiers: ClinVar variation 1448518 (VCV001448518.7), dbSNP rs1787039042, ClinGen allele CA1654058703.